The following is an entry in ClinVar:

ClinVar aggregate classification (germline): Conflicting classifications of pathogenicity. Review status: criteria provided, conflicting classifications (1 of 4 stars). 7 submissions from 7 submitters: Uncertain significance (5); Likely benign (1). 1 of the submissions does not count toward it. Last evaluated 2026-02-10.

Conditions:
Epidermolysis bullosa simplex 2A, generalized severe. Also called: Epidermolysis bullosa simplex 2, generalized severe; Epidermolysis bullosa simplex 2, Dowling-Meara type; Epidermolysis bullosa simplex 2, severe. Identifiers: MedGen CN301077, MONDO:0030489, OMIM 619555.
KRT5-related disorder. Also called: KRT5-related condition.
Epidermolysis bullosa simplex. Also called: Epidermolysis bullosa simplex, Weber-Cockayne type (subtype); Epidermolysis bullosa simplex, Dowling-Meara type (subtype); Epidermolysis bullosa simplex with mottled pigmentation (subtype). Identifiers: Orphanet 304, MedGen C0079298, MONDO:0017610.
Epidermolysis bullosa simplex, Koebner type. Identifiers: Orphanet 79399, MedGen C5561924, MONDO:0007554, OMIM 131900.
Epidermolysis bullosa simplex 1C, localized. Also called: Epidermolysis Bullosa Simplex, Weber-Cockayne Type; EBS, ACRAL FORM; EPIDERMOLYSIS BULLOSA OF HANDS AND FEET; Weber-Cockayne Syndrome; Localized epidermolysis bullosa simplex. Identifiers: Orphanet 79400, MedGen C0080333, MONDO:0007551, OMIM 131800.

Allele frequency attached by ClinVar (database versions not stated): TOPMed 0.00006; ExAC 0.00001.
gnomAD v4.1: 120 of 1,614,020 alleles (0.0074%); highest among the groups gnomAD compares: Middle Eastern, 0.25%; no homozygotes.

Submissions (7):

PreventionGenetics, part of Exact Sciences
Classification: Uncertain significance for KRT5-related condition. Last evaluated: 2026-02-10. Review status: criteria provided, single submitter. Criteria: ACMG Guidelines, 2015. Collection method: clinical testing. Allele origin: germline.
Comment: The KRT5 c.1411C>T variant is predicted to result in the amino acid substitution p.Arg471Cys. This variant has been reported in a family from Turkey with epidermolysis bullosa simplex (EBS, Arin et al. 2010. PubMed ID: 20199538); however, further evidence of pathogenicity was not provided. This variant, reported as 12-52910449-G-A, was observed in the homozygous state in unaffected individuals in the Saudi Human Genome Program (Table S7, Abouelhoda et al. 2016. PubMed ID: 27884173), calling into question the pathogenicity of this variant. In silico and structural studies suggest that the Arg471 lies in the conserved helical domain and that variants that change this amino acid disrupt the a-helical conformation (Banerjee et al. 2014. PubMed: 25017986; Pan and Chou. 2021. PubMed ID: 34509171). In ClinVar, most laboratories have classified the c.1411C>T variant as a variant of uncertain significance (Variation ID: 66213). This variant is reported in 0.0050% of alleles in individuals of East Asian descent in gnomAD. At this time, the clinical significance of this variant is uncertain due to the absence of conclusive functional and genetic evidence.

Genomic Medicine Center of Excellence, King Faisal Specialist Hospital and Research Centre
Classification: Likely benign for Epidermolysis bullosa simplex 2A, generalized severe. Last evaluated: 2024-03-26. Review status: criteria provided, single submitter. Criteria: ACMG Guidelines, 2015. Collection method: clinical testing. Allele origin: germline.

Centre for Mendelian Genomics, University Medical Centre Ljubljana
Classification: Uncertain significance for Epidermolysis bullosa simplex, Koebner type. Last evaluated: 2020-02-05. Review status: criteria provided, single submitter. Criteria: ACMG Guidelines, 2015. Collection method: clinical testing. Allele origin: unknown. Affected: yes.
Comment: This variant was classified as: Uncertain significance. The available evidence on this variant's pathogenicity is insufficient or conflicting. The following ACMG criteria were applied in classifying this variant: PP3.

GeneDx
Classification: Uncertain significance. Last evaluated: 2019-09-09. Review status: criteria provided, single submitter. Criteria: GeneDx Variant Classification Process June 2021. Collection method: clinical testing. Allele origin: germline. Affected: yes.
Comment: The majority of missense variants in this gene are considered pathogenic [(Stenson et al., 2014; other references)]; In silico analysis, which includes protein predictors and evolutionary conservation, supports a deleterious effect; This variant is associated with the following publications: (PMID: 20199538, 27884173, 25017986, 31001817, 31589614)

Baylor Genetics
Classification: Uncertain significance for Epidermolysis bullosa simplex 1C, localized. Last evaluated: 2019-08-17. Review status: criteria provided, single submitter. Criteria: ACMG Guidelines, 2015. Collection method: clinical testing. Allele origin: unknown. Affected: yes.
Comment: This variant was determined to be of uncertain significance according to ACMG Guidelines, 2015 [PMID:25741868].

Illumina Laboratory Services, Illumina
Classification: Uncertain significance for Epidermolysis bullosa simplex. Last evaluated: 2017-04-27. Review status: criteria provided, single submitter. Criteria: ICSL Variant Classification Criteria 13 December 2019. Collection method: clinical testing. Allele origin: germline.
Comment: This variant was observed as part of a predisposition screen in an ostensibly healthy population. A literature search was performed for the gene, cDNA change, and amino acid change (where applicable). Publications were found based on this search. However, the evidence from the literature, in combination with allele frequency data from public databases where available, was not sufficient to rule this variant in or out of causing disease. Therefore, this variant is classified as a variant of unknown significance.

Epithelial Biology;  Institute of Medical Biology, Singapore
No classification provided. Review status: no classification provided. Collection method: not provided. Allele origin: not provided. Not counted in ClinVar's aggregate classification.

Literature cited by the submitters: PubMed 20199538 (cited by Illumina Laboratory Services, Illumina).

NM_000424.4(KRT5):c.1411C>T (p.Arg471Cys)

Genes: KRT5 (keratin 5; minus strand), LOC126861525 (BRD4-independent group 4 enhancer GRCh37_chr12:52909857-52911056; plus strand). Cytogenetic location: 12q13.13.
Variant type: single nucleotide variant.
Coding change: c.1411C>T on transcript NM_000424.4 (MANE Select); coding-DNA position 1411, C replaced by T.
Protein change: p.Arg471Cys; replaces arginine 471 with cysteine.
Molecular consequence: missense variant.
Genome position (GRCh38, 1-based): chr12:52,516,665, G>A on the plus strand (C>T on the coding strand, the complement: KRT5 is on the minus strand). VCF-style: chr12-52516665-G-A. GRCh37 (hg19) VCF-style: chr12-52910449-G-A.
Other names: short protein forms R471C.
Identifiers: ClinVar variation 66213 (VCV000066213.12), dbSNP rs267607448, ClinGen allele CA216667.